The following is an entry in ClinVar:

NM_018557.3(LRP1B):c.10532-9dup

Gene: LRP1B (LDL receptor related protein 1B; minus strand). Cytogenetic location: 2q22.1.
Variant type: Duplication.
Coding change: c.10532-9dup on transcript NM_018557.3 (MANE Select); 9 bases into the intron before coding-DNA position 10532, one base duplicated (T; older notation c.10532-9dupT).
Molecular consequence: intron variant.
Genome position (GRCh38, 1-based): chr2:140,378,295, A duplicated on the plus strand (T on the coding strand, the reverse complement: LRP1B is on the minus strand); the first of 7 consecutive A bases (chr2:140,378,295-140,378,301); duplicating any one gives the same sequence. VCF-style (leftmost placement, unchanged base first): chr2-140378294-T-TA. GRCh37 (hg19) VCF-style: chr2-141135863-T-TA.
Identifiers: ClinVar variation 3059775 (VCV003059775.2), dbSNP rs34006829, ClinGen allele CA1893363.

ClinVar aggregate classification (germline): Benign (0 of 4 stars; one submission).

Conditions:
LRP1B-related disorder. Also called: LRP1B-related condition.

Submission:

PreventionGenetics, part of Exact Sciences
Classification: Benign for LRP1B-related condition. Last evaluated: 2019-06-06. Review status: no assertion criteria provided. Collection method: clinical testing. Allele origin: germline.
Comment: This variant is classified as benign based on ACMG/AMP sequence variant interpretation guidelines (Richards et al. 2015 PMID: 25741868, with internal and published modifications).